The following is an entry in ClinVar:

ClinVar aggregate classification (germline): Pathogenic. Review status: criteria provided, multiple submitters, no conflicts (2 of 4 stars). 2 submissions from 2 submitters: Pathogenic (2). Last evaluated 2023-10-06.

Allele frequency attached by ClinVar (database versions not stated): gnomAD exomes below 0.00001.

Submissions (2):

Labcorp Genetics (formerly Invitae), Labcorp
Classification: Pathogenic. Last evaluated: 2023-10-06. Review status: criteria provided, single submitter. Criteria: Invitae Variant Classification Sherloc (09022015). Collection method: clinical testing. Allele origin: germline.
Comment: This sequence change affects a donor splice site in intron 1 of the GNAS gene. It is expected to disrupt RNA splicing. Variants that disrupt the donor or acceptor splice site typically lead to a loss of protein function (PMID: 16199547), and loss-of-function variants in GNAS are known to be pathogenic (PMID: 11784876, 23281139, 23796510, 25802881). This variant is not present in population databases (gnomAD no frequency). Disruption of this splice site has been observed in individual(s) with GNAS-related conditions (PMID: 20427508, 23281139, 23884777, 31886927). In at least one individual the variant was observed to be de novo. ClinVar contains an entry for this variant (Variation ID: 1216872). Algorithms developed to predict the effect of sequence changes on RNA splicing suggest that this variant may disrupt the consensus splice site. For these reasons, this variant has been classified as Pathogenic.

GeneDx
Classification: Pathogenic. Last evaluated: 2019-12-11. Review status: criteria provided, single submitter. Criteria: GeneDx Variant Classification Process June 2021. Collection method: clinical testing. Allele origin: germline. Affected: yes.
Comment: Canonical splice site variant in a gene for which loss-of-function is a known mechanism of disease; Not observed in large population cohorts (Lek et al., 2016); Has not been previously published as pathogenic or benign to our knowledge

Literature cited by the submitters: PubMed 16199547 (cited by Labcorp Genetics (formerly Invitae), Labcorp); PubMed 11784876 (cited by Labcorp Genetics (formerly Invitae), Labcorp); PubMed 23281139 (cited by Labcorp Genetics (formerly Invitae), Labcorp); PubMed 23796510 (cited by Labcorp Genetics (formerly Invitae), Labcorp); PubMed 25802881 (cited by Labcorp Genetics (formerly Invitae), Labcorp); PubMed 20427508 (cited by Labcorp Genetics (formerly Invitae), Labcorp); PubMed 23884777 (cited by Labcorp Genetics (formerly Invitae), Labcorp); PubMed 31886927 (cited by Labcorp Genetics (formerly Invitae), Labcorp).

NM_000516.7(GNAS):c.139+2T>C

Gene: GNAS (GNAS complex locus; plus strand). Cytogenetic location: 20q13.32.
Variant type: single nucleotide variant.
Coding change: c.139+2T>C on transcript NM_000516.7 (MANE Select); the canonical splice donor site of the intron after coding-DNA position 139, T replaced by C.
Molecular consequence: splice donor variant. On other transcripts: intron variant (8).
Genome position (GRCh38, 1-based): chr20:58,891,867, T>C. VCF-style: chr20-58891867-T-C. GRCh37 (hg19) VCF-style: chr20-57466922-T-C.
Other names: c.*43-3745T>C (NM_016592.5); c.44-3745T>C (NM_001410912.1); c.-38-3745T>C (NM_001309861.2); c.*1-3745T>C (NM_001077490.3); c.2069-3745T>C (NM_080425.4, NM_001410913.1); c.*159-3745T>C (NM_001309883.1); c.-39+2514T>C (NM_001309840.2); c.139+2T>C (NM_001077488.5, NM_080426.4, NM_001077489.4 and 1 more transcripts).
Identifiers: ClinVar variation 1216872 (VCV001216872.6), dbSNP rs2145917348, ClinGen allele CA409449110.
Genomic context (GRCh38, chr20:58,891,867, plus strand): 5'-GAAGCAGCTGCAGAAGGACAAGCAGGTCTACCGGGCCACGCACCGCCTGCTGCTGCTGGG[T>C]AAGGGCGGGCGGGGGGCGCCGGCCCCGGCCCGGGGGCCCTCGAAGGGCGCCCCGCAGGCC-3'